The following is an entry in ClinVar:

NM_001123385.2(BCOR):c.3463del (p.Asp1155fs)

Gene: BCOR (BCL6 corepressor; minus strand). Cytogenetic location: Xp11.4.
Variant type: Deletion.
Coding change: c.3463del on transcript NM_001123385.2 (MANE Select); coding-DNA position 3463, one base deleted (G; older notation c.3463delG).
Protein change: p.Asp1155fs; shifts the reading frame from aspartic acid 1155.
Molecular consequence: frameshift variant.
Genome position (GRCh38, 1-based): chrX:40,064,375, C deleted on the plus strand (G on the coding strand, the reverse complement: BCOR is on the minus strand); the first of 2 consecutive C bases (chrX:40,064,375-40,064,376); deleting either gives the same sequence. VCF-style (leftmost placement, unchanged base first): chrX-40064374-TC-T. GRCh37 (hg19) VCF-style: chrX-39923627-TC-T.
Other names: c.3462delG, p.Asp1155Thrfs (NM_001123383.2); c.3409del, p.Asp1137fs (NM_001123384.2); c.3463del, p.Asp1155fs (NM_017745.6); short protein forms D1137fs, D1155fs.
Identifiers: ClinVar variation 644876 (VCV000644876.1), dbSNP rs1602130230, ClinGen allele CA915950948.

ClinVar aggregate classification (germline): Pathogenic (1 of 4 stars; one submission).

Conditions:
Oculofaciocardiodental syndrome (MCOPS2). Identifiers: Orphanet 2712, MedGen C1846265, MONDO:0010261, OMIM 300166.

Submission:

Labcorp Genetics (formerly Invitae), Labcorp
Classification: Pathogenic for Oculofaciocardiodental syndrome. Last evaluated: 2018-08-29. Review status: criteria provided, single submitter. Criteria: Invitae Variant Classification Sherloc (09022015). Collection method: clinical testing. Allele origin: germline.
Comment: This sequence change creates a premature translational stop signal (p.Asp1155Thrfs*4) in the BCOR gene. It is expected to result in an absent or disrupted protein product. This variant is not present in population databases (ExAC no frequency). This variant has not been reported in the literature in individuals with BCOR-related disease. Loss-of-function variants in BCOR are known to be pathogenic (PMID: 15004558, 19367324). For these reasons, this variant has been classified as Pathogenic.